The following is an entry in ClinVar:

NM_032444.4(SLX4):c.2174G>A (p.Gly725Asp)

Gene: SLX4 (SLX4 structure-specific endonuclease subunit; minus strand). Cytogenetic location: 16p13.3.
Variant type: single nucleotide variant.
Coding change: c.2174G>A on transcript NM_032444.4 (MANE Select); coding-DNA position 2174, G replaced by A.
Protein change: p.Gly725Asp; replaces glycine 725 with aspartic acid.
Molecular consequence: missense variant.
Genome position (GRCh38, 1-based): chr16:3,592,852, C>T on the plus strand (G>A on the coding strand, the complement: SLX4 is on the minus strand). VCF-style: chr16-3592852-C-T. GRCh37 (hg19) VCF-style: chr16-3642853-C-T.
Other names: short protein forms G725D.
Identifiers: ClinVar variation 3716395 (VCV003716395.2).

ClinVar aggregate classification (germline): Uncertain significance (1 of 4 stars; one submission).

Conditions:
Fanconi anemia (FA). Also called: Fanconi's anemia. Identifiers: Orphanet 84, MedGen C0015625, MeSH D005199, MONDO:0019391.

gnomAD v4.1: 1 of 1,610,440 alleles (0.000062%); highest among the groups gnomAD compares: African/African-American, 0.0013%; no homozygotes.

Submission:

Labcorp Genetics (formerly Invitae), Labcorp
Classification: Uncertain significance for Fanconi anemia. Last evaluated: 2024-12-09. Review status: criteria provided, single submitter. Criteria: Invitae Variant Classification Sherloc (09022015). Collection method: clinical testing. Allele origin: germline.
Comment: This sequence change replaces glycine, which is neutral and non-polar, with aspartic acid, which is acidic and polar, at codon 725 of the SLX4 protein (p.Gly725Asp). This variant is not present in population databases (gnomAD no frequency). This variant has not been reported in the literature in individuals affected with SLX4-related conditions. An algorithm developed to predict the effect of missense changes on protein structure and function (PolyPhen-2) suggests that this variant is likely to be disruptive. In summary, the available evidence is currently insufficient to determine the role of this variant in disease. Therefore, it has been classified as a Variant of Uncertain Significance.